The following is an entry in ClinVar:

ClinVar aggregate classification (germline): Uncertain significance (1 of 4 stars; one submission).

Submission:

Labcorp Genetics (formerly Invitae), Labcorp
Classification: Uncertain significance. Last evaluated: 2025-06-13. Review status: criteria provided, single submitter. Criteria: Invitae Variant Classification Sherloc (09022015). Collection method: clinical testing. Allele origin: germline.
Comment: This sequence change falls in intron 6 of the GPR143 gene. It does not directly change the encoded amino acid sequence of the GPR143 protein. It affects a nucleotide within the consensus splice site. This variant is present in population databases (rs748390996, gnomAD 0.02%). This variant has not been reported in the literature in individuals affected with GPR143-related conditions. ClinVar contains an entry for this variant (Variation ID: 3714754). Variants that disrupt the consensus splice site are a relatively common cause of aberrant splicing (PMID: 17576681, 9536098). Algorithms developed to predict the effect of sequence changes on RNA splicing suggest that this variant is not likely to affect RNA splicing. In summary, the available evidence is currently insufficient to determine the role of this variant in disease. Therefore, it has been classified as a Variant of Uncertain Significance.

Literature cited by the submitters: PubMed 17576681; PubMed 9536098.

NM_000273.3(GPR143):c.767+5_767+6del

Gene: GPR143 (G protein-coupled receptor 143; minus strand). Cytogenetic location: Xp22.2.
Variant type: Deletion.
Coding change: c.767+5_767+6del on transcript NM_000273.3 (MANE Select); bases 5 to 6 of the intron after coding-DNA position 767, 2 bases deleted (CC; older notation c.767+5_767+6delCC).
Molecular consequence: intron variant.
Genome position (GRCh38, 1-based): chrX:9,743,559-9,743,560, GG deleted on the plus strand (CC on the coding strand, the reverse complement: GPR143 is on the minus strand). VCF-style (leftmost placement, unchanged base first): chrX-9743558-AGG-A. GRCh37 (hg19) VCF-style: chrX-9711598-AGG-A.
Identifiers: ClinVar variation 3714754 (VCV003714754.2).